The following is an entry in ClinVar:

NM_001267550.2(TTN):c.60313G>A (p.Val20105Met)

Genes: TTN (titin; minus strand), TTN-AS1 (TTN antisense RNA 1; plus strand). Cytogenetic location: 2q31.2.
Variant type: single nucleotide variant.
Coding change: c.60313G>A on transcript NM_001267550.2 (MANE Select); coding-DNA position 60313, G replaced by A.
Protein change: p.Val20105Met; replaces valine 20105 with methionine.
Molecular consequence: missense variant.
Genome position (GRCh38, 1-based): chr2:178,591,412, C>T on the plus strand (G>A on the coding strand, the complement: TTN is on the minus strand). VCF-style: chr2-178591412-C-T. GRCh37 (hg19) VCF-style: chr2-179456139-C-T.
Other names: c.55390G>A, p.Val18464Met (NM_001256850.1); c.33118G>A, p.Val11040Met (NM_003319.4); c.52609G>A, p.Val17537Met (NM_133378.4); c.33493G>A, p.Val11165Met (NM_133432.3); c.33694G>A, p.Val11232Met (NM_133437.4); short protein forms V11040M, V11165M, V11232M, V17537M, V18464M, V20105M.
Identifiers: ClinVar variation 3901806 (VCV003901806.1).

ClinVar aggregate classification (germline): Uncertain significance (1 of 4 stars; one submission).

gnomAD v4.1: 5 of 1,610,878 alleles (0.00031%); highest among the groups gnomAD compares: Non-Finnish European, 0.00042%; no homozygotes.

Submission:

GeneDx
Classification: Uncertain significance. Last evaluated: 2024-12-09. Review status: criteria provided, single submitter. Criteria: GeneDx Variant Classification Process June 2021. Collection method: clinical testing. Allele origin: germline. Affected: yes.
Comment: Not observed at significant frequency in large population cohorts (gnomAD); Missense variant in a gene in which most reported pathogenic variants are truncating/loss of function; Has not been previously published as pathogenic or benign to our knowledge